The following is an entry in ClinVar:

NM_000535.7(PMS2):c.779_780inv (p.Ser260Trp)

Gene: PMS2 (PMS1 homolog 2, mismatch repair system component; minus strand). Cytogenetic location: 7p22.1.
Variant type: Inversion.
Coding change: c.779_780inv on transcript NM_000535.7 (MANE Select).
Protein change: p.Ser260Trp; replaces serine 260 with tryptophan.
Molecular consequence: missense variant. On other transcripts: 5 prime UTR variant (2), non-coding transcript variant (1).
Genome position: GRCh38 VCF-style: chr7-5997349-GG-CC. GRCh37 (hg19) VCF-style: chr7-6036980-GG-CC.
Other names: c.779_780delinsGG (NM_000535.5, NM_000535.7); c.374_375inv, p.Ser125Trp (NM_001322003.2, NM_001322004.2, NM_001322005.2 and 2 more transcripts); c.779_780inv, p.Ser260Trp (NM_001322006.2, NM_001322014.2); c.461_462inv, p.Ser154Trp (NM_001322007.2, NM_001322008.2); c.-155_-154inv (NM_001322011.2, NM_001322012.2); c.206_207inv, p.Ser69Trp (NM_001322013.2); c.470_471inv, p.Ser157Trp (NM_001322015.2); short protein forms S157W, S260W, S154W, S125W, S69W.
Identifiers: ClinVar variation 232473 (VCV000232473.23), ClinGen allele CA10578697.

ClinVar aggregate classification (germline): Uncertain significance. Review status: criteria provided, multiple submitters, no conflicts (2 of 4 stars). 5 submissions from 5 submitters: Uncertain significance (5). Last evaluated 2025-10-27.

Conditions:
Hereditary nonpolyposis colorectal neoplasms. Identifiers: MedGen C0009405, MeSH D003123.
Hereditary cancer-predisposing syndrome. Also called: Neoplastic Syndromes, Hereditary; Tumor predisposition; Hereditary Cancer Syndrome; Hereditary neoplastic syndrome. Identifiers: Orphanet 140162, MedGen C0027672, MeSH D009386, MONDO:0015356.
Lynch syndrome. Identifiers: Orphanet 144, MedGen C4552100, MONDO:0005835. Disease mechanism: loss of function.

Submissions (5):

Women's Health and Genetics/Laboratory Corporation of America, LabCorp
Classification: Uncertain significance. Last evaluated: 2025-10-27. Review status: criteria provided, single submitter. Criteria: LabCorp Variant Classification Summary - May 2015. Collection method: clinical testing. Allele origin: germline.
Comment: Variant summary: PMS2 c.779_780delinsGG (p.Ser260Trp) results in a non-conservative amino acid change located in the DNA mismatch repair protein, S5 domain 2-like (IPR013507) of the encoded protein sequence. Algorithms developed to predict the effect of missense changes on protein structure and function all suggest that this variant is likely to be disruptive. The variant was absent in 282054 control chromosomes. The available data on variant occurrences in the general population are insufficient to allow any conclusion about variant significance. To our knowledge, no occurrence of c.779_780delinsGG in individuals affected with PMS2-related conditions and no experimental evidence demonstrating its impact on protein function have been reported. ClinVar contains an entry for this variant (Variation ID: 232473). Based on the evidence outlined above, the variant was classified as uncertain significance.

Labcorp Genetics (formerly Invitae), Labcorp
Classification: Uncertain significance for Hereditary nonpolyposis colorectal neoplasms. Last evaluated: 2025-06-27. Review status: criteria provided, single submitter. Criteria: Invitae Variant Classification Sherloc (09022015). Collection method: clinical testing. Allele origin: germline.
Comment: This sequence change replaces serine, which is neutral and polar, with tryptophan, which is neutral and slightly polar, at codon 260 of the PMS2 protein (p.Ser260Trp). Information on the frequency of this variant in the gnomAD database is not available, as this variant may be reported differently in the database. This variant has not been reported in the literature in individuals affected with PMS2-related conditions. ClinVar contains an entry for this variant (Variation ID: 232473). An algorithm developed to predict the effect of missense changes on protein structure and function (PolyPhen-2) suggests that this variant is likely to be disruptive. In summary, the available evidence is currently insufficient to determine the role of this variant in disease. Therefore, it has been classified as a Variant of Uncertain Significance.

Color Diagnostics, LLC DBA Color Health
Classification: Uncertain significance for Hereditary cancer-predisposing syndrome. Last evaluated: 2025-03-10. Review status: criteria provided, single submitter. Criteria: ACMG Guidelines, 2015. Collection method: clinical testing. Allele origin: germline.
Comment: This missense variant replaces serine with tryptophan at codon 260 of the PMS2 protein. To our knowledge, functional studies have not been reported for this variant. This variant has not been reported in individuals affected with PMS2-related disorders in the literature. This variant has not been identified in the general population by the Genome Aggregation Database (gnomAD). The available evidence is insufficient to determine the role of this variant in disease conclusively. Therefore, this variant is classified as a Variant of Uncertain Significance.

Ambry Genetics
Classification: Uncertain significance for Hereditary cancer-predisposing syndrome. Last evaluated: 2025-02-19. Review status: criteria provided, single submitter. Criteria: Ambry Variant Classification Scheme 2023. Collection method: clinical testing. Allele origin: germline.
Comment: The c.779_780delCCinsGG variant (also known as p.S260W), located in coding exon 7 of the PMS2 gene, results from a C to G substitution at nucleotide positions 779 and 780. The serine at codon 260 is replaced by tryptophan, an amino acid with highly dissimilar properties. This amino acid position is not well conserved in available vertebrate species. Based on the available evidence, the clinical significance of this variant remains unclear.

Department of Pathology and Laboratory Medicine, Sinai Health System
Classification: Uncertain significance for Lynch syndrome. Last evaluated: 2024-04-02. Review status: criteria provided, single submitter. Criteria: ACMG Guidelines, 2015. Collection method: clinical testing. Allele origin: germline. Affected: yes.